The following is an entry in ClinVar:

ClinVar aggregate classification (germline): Uncertain significance. Review status: criteria provided, multiple submitters, no conflicts (2 of 4 stars). 2 submissions from 2 submitters: Uncertain significance (2). Last evaluated 2025-05-15.

Conditions:
Inborn genetic diseases. Identifiers: MedGen C0950123, MeSH D030342.

Submissions (2):

Ambry Genetics
Classification: Uncertain significance for Inborn genetic diseases. Last evaluated: 2025-05-15. Review status: criteria provided, single submitter. Criteria: Ambry Variant Classification Scheme 2023. Collection method: clinical testing. Allele origin: germline.
Comment: The c.7295G>C (p.C2432S) alteration is located in exon 16 (coding exon 15) of the ACAN gene. This alteration results from a G to C substitution at nucleotide position 7295, causing the cysteine (C) at amino acid position 2432 to be replaced by a serine (S). This variant was not reported in population-based cohorts in the Genome Aggregation Database (gnomAD). This amino acid position is highly conserved in available vertebrate species. This alteration is predicted to be deleterious by in silico analysis. Based on insufficient or conflicting evidence, the clinical significance of this alteration remains unclear.

Labcorp Genetics (formerly Invitae), Labcorp
Classification: Uncertain significance. Last evaluated: 2023-07-03. Review status: criteria provided, single submitter. Criteria: Invitae Variant Classification Sherloc (09022015). Collection method: clinical testing. Allele origin: germline.
Comment: This sequence change replaces cysteine, which is neutral and slightly polar, with serine, which is neutral and polar, at codon 2432 of the ACAN protein (p.Cys2432Ser). This variant is not present in population databases (gnomAD no frequency). This variant has not been reported in the literature in individuals affected with ACAN-related conditions. An algorithm developed to predict the effect of missense changes on protein structure and function (PolyPhen-2) suggests that this variant is likely to be disruptive. In summary, the available evidence is currently insufficient to determine the role of this variant in disease. Therefore, it has been classified as a Variant of Uncertain Significance.

NM_001369268.1(ACAN):c.7409G>C (p.Cys2470Ser)

Gene: ACAN (aggrecan; plus strand). Cytogenetic location: 15q26.1.
Variant type: single nucleotide variant.
Coding change: c.7409G>C on transcript NM_001369268.1 (MANE Select); coding-DNA position 7409, G replaced by C.
Protein change: p.Cys2470Ser; replaces cysteine 2470 with serine.
Molecular consequence: missense variant.
Genome position (GRCh38, 1-based): chr15:88,872,987, G>C. VCF-style: chr15-88872987-G-C. GRCh37 (hg19) VCF-style: chr15-89416218-G-C.
Other names: c.7181G>C, p.Cys2394Ser (NM_001135.4, NM_001411096.1); c.7295G>C, p.Cys2432Ser (NM_001411097.1, NM_013227.4); c.7295G>C (NM_013227.3); short protein forms C2394S, C2470S, C2432S.
Identifiers: ClinVar variation 2734987 (VCV002734987.5), dbSNP rs2505388387, ClinGen allele CA393730549.